The following is an entry in ClinVar:

ClinVar aggregate classification (germline): Uncertain significance (1 of 4 stars; one submission).

Allele frequency attached by ClinVar (database versions not stated): gnomAD exomes below 0.00001.
gnomAD v4.1: 3 of 1,613,446 alleles (0.00019%); highest among the groups gnomAD compares: East Asian, 0.0022%; no homozygotes.

Submission:

Labcorp Genetics (formerly Invitae), Labcorp
Classification: Uncertain significance. Last evaluated: 2022-02-28. Review status: criteria provided, single submitter. Criteria: Invitae Variant Classification Sherloc (09022015). Collection method: clinical testing. Allele origin: germline.
Comment: This sequence change replaces alanine, which is neutral and non-polar, with aspartic acid, which is acidic and polar, at codon 410 of the MTTP protein (p.Ala410Asp). This variant is present in population databases (no rsID available, gnomAD 0.003%). This variant has not been reported in the literature in individuals affected with MTTP-related conditions. Algorithms developed to predict the effect of missense changes on protein structure and function (SIFT, PolyPhen-2, Align-GVGD) all suggest that this variant is likely to be tolerated. In summary, the available evidence is currently insufficient to determine the role of this variant in disease. Therefore, it has been classified as a Variant of Uncertain Significance.

NM_001386140.1(MTTP):c.1229C>A (p.Ala410Asp)

Gene: MTTP (microsomal triglyceride transfer protein; plus strand). Cytogenetic location: 4q23.
Variant type: single nucleotide variant.
Coding change: c.1229C>A on transcript NM_001386140.1 (MANE Select); coding-DNA position 1229, C replaced by A.
Protein change: p.Ala410Asp; replaces alanine 410 with aspartic acid.
Molecular consequence: missense variant.
Genome position (GRCh38, 1-based): chr4:99,600,726, C>A. VCF-style: chr4-99600726-C-A. GRCh37 (hg19) VCF-style: chr4-100521883-C-A.
Other names: c.1229C>A, p.Ala410Asp (NM_000253.4); c.980C>A, p.Ala327Asp (NM_001300785.2); short protein forms A327D, A410D.
Identifiers: ClinVar variation 1912606 (VCV001912606.2), dbSNP rs1481035675, ClinGen allele CA357508684.